The following is an entry in ClinVar:

NM_181882.3(PRX):c.3341G>T (p.Gly1114Val)

Gene: PRX (periaxin; minus strand). Cytogenetic location: 19q13.2.
Variant type: single nucleotide variant.
Coding change: c.3341G>T on transcript NM_181882.3 (MANE Select); coding-DNA position 3341, G replaced by T.
Protein change: p.Gly1114Val; replaces glycine 1114 with valine.
Molecular consequence: missense variant. On other transcripts: 3 prime UTR variant (1).
Genome position (GRCh38, 1-based): chr19:40,395,011, C>A on the plus strand (G>T on the coding strand, the complement: PRX is on the minus strand). VCF-style: chr19-40395011-C-A. GRCh37 (hg19) VCF-style: chr19-40900918-C-A.
Other names: c.*3546G>T (NM_020956.2); short protein forms G1114V.
Identifiers: ClinVar variation 1019104 (VCV001019104.8), dbSNP rs772043027, ClinGen allele CA9443877.

ClinVar aggregate classification (germline): Uncertain significance (1 of 4 stars; one submission).

Conditions:
Charcot-Marie-Tooth disease type 4. Also called: Charcot-Marie-Tooth, Type 4; Charcot-Marie-Tooth disease, type IV. Identifiers: Orphanet 64749, MedGen C4082197, MONDO:0018995.

Allele frequency attached by ClinVar (database versions not stated): ExAC 0.00001.

Submission:

Labcorp Genetics (formerly Invitae), Labcorp
Classification: Uncertain significance for Charcot-Marie-Tooth disease type 4. Last evaluated: 2020-03-04. Review status: criteria provided, single submitter. Criteria: Invitae Variant Classification Sherloc (09022015). Collection method: clinical testing. Allele origin: germline.
Comment: Algorithms developed to predict the effect of sequence changes on RNA splicing suggest that this variant may create or strengthen a splice site, but this prediction has not been confirmed by published transcriptional studies. In summary, the available evidence is currently insufficient to determine the role of this variant in disease. Therefore, it has been classified as a Variant of Uncertain Significance. Algorithms developed to predict the effect of missense changes on protein structure and function output the following: SIFT: "Tolerated"; PolyPhen-2: "Probably Damaging"; Align-GVGD: "Class C0". The valine amino acid residue is found in multiple mammalian species, suggesting that this missense change does not adversely affect protein function. These predictions have not been confirmed by published functional studies and their clinical significance is uncertain. This variant has not been reported in the literature in individuals with PRX-related conditions. The frequency data for this variant in the population databases is considered unreliable, as metrics indicate poor data quality at this position in the ExAC database. This sequence change replaces glycine with valine at codon 1114 of the PRX protein (p.Gly1114Val). The glycine residue is moderately conserved and there is a moderate physicochemical difference between glycine and valine.